The following is an entry in ClinVar:

ClinVar aggregate classification (germline): Uncertain significance (1 of 4 stars; one submission).

Conditions:
Ehlers-Danlos syndrome, kyphoscoliotic type, 2. Also called: Ehlers-Danlos syndrome, kyphoscoliotic and deafness type; FKBP14-Kyphoscoliotic Ehlers-Danlos Syndrome; Ehlers-Danlos syndrome with progressive kyphoscoliosis, myopathy, and hearing loss. Identifiers: Orphanet 300179, MedGen C3281160, MONDO:0013800, OMIM 614557.

Submission:

Labcorp Genetics (formerly Invitae), Labcorp
Classification: Uncertain significance for Ehlers-Danlos syndrome, kyphoscoliotic type, 2. Last evaluated: 2019-11-27. Review status: criteria provided, single submitter. Criteria: Invitae Variant Classification Sherloc (09022015). Collection method: clinical testing. Allele origin: germline.
Comment: In summary, the available evidence is currently insufficient to determine the role of this variant in disease. Therefore, it has been classified as a Variant of Uncertain Significance. This variant has not been reported in the literature in individuals with FKBP14-related conditions. This variant is a gross deletion of the genomic region encompassing exon 4 of the FKBP14 gene. The 5' boundary is likely confined to intron 3. The 3' end of this event is unknown as it extends through the termination codon beyond the assayed region for this gene and may encompass additional genes. While this deletion is not anticipated to result in nonsense mediated decay, it is expected to create a truncated protein product or disrupt mRNA translation.

NC_000007.14:g.(?_30010573)_(30014903_?)del

Gene: FKBP14 (FKBP prolyl isomerase 14; minus strand). Cytogenetic location: 7p14.3.
Variant type: Deletion.
Identifiers: ClinVar variation 830453 (VCV000830453.8).